The following is an entry in ClinVar:

NM_001164665.2(KIAA1549):c.5015A>G (p.Gln1672Arg)

Gene: KIAA1549 (KIAA1549; minus strand). Cytogenetic location: 7q34.
Variant type: single nucleotide variant.
Coding change: c.5015A>G on transcript NM_001164665.2 (MANE Select); coding-DNA position 5015, A replaced by G.
Protein change: p.Gln1672Arg; replaces glutamine 1672 with arginine.
Molecular consequence: missense variant.
Genome position (GRCh38, 1-based): chr7:138,861,371, T>C on the plus strand (A>G on the coding strand, the complement: KIAA1549 is on the minus strand). VCF-style: chr7-138861371-T-C. GRCh37 (hg19) VCF-style: chr7-138546117-T-C.
Other names: c.5015A>G, p.Gln1672Arg (NM_020910.3); short protein forms Q1672R.
Identifiers: ClinVar variation 1922667 (VCV001922667.5), dbSNP rs1257208611, ClinGen allele CA369394651.

ClinVar aggregate classification (germline): Uncertain significance (1 of 4 stars; one submission).

Allele frequency attached by ClinVar (database versions not stated): TOPMed below 0.00001.

Submission:

Labcorp Genetics (formerly Invitae), Labcorp
Classification: Uncertain significance. Last evaluated: 2022-05-16. Review status: criteria provided, single submitter. Criteria: Invitae Variant Classification Sherloc (09022015). Collection method: clinical testing. Allele origin: germline.
Comment: Algorithms developed to predict the effect of missense changes on protein structure and function are either unavailable or do not agree on the potential impact of this missense change (SIFT: "Deleterious"; PolyPhen-2: "Probably Damaging"; Align-GVGD: "Class C0"). In summary, the available evidence is currently insufficient to determine the role of this variant in disease. Therefore, it has been classified as a Variant of Uncertain Significance. This variant has not been reported in the literature in individuals affected with KIAA1549-related conditions. This variant is not present in population databases (gnomAD no frequency). This sequence change replaces glutamine, which is neutral and polar, with arginine, which is basic and polar, at codon 1672 of the KIAA1549 protein (p.Gln1672Arg).